The following is an entry in ClinVar:

NM_203447.4(DOCK8):c.5730T>G (p.His1910Gln)

Gene: DOCK8 (dedicator of cytokinesis 8; plus strand). Cytogenetic location: 9p24.3.
Variant type: single nucleotide variant.
Coding change: c.5730T>G on transcript NM_203447.4 (MANE Select); coding-DNA position 5730, T replaced by G.
Protein change: p.His1910Gln; replaces histidine 1910 with glutamine.
Molecular consequence: missense variant.
Genome position (GRCh38, 1-based): chr9:446,519, T>G. VCF-style: chr9-446519-T-G. GRCh37 (hg19) VCF-style: chr9-446519-T-G.
Other names: c.5430T>G, p.His1810Gln (NM_001190458.2); c.5526T>G, p.His1842Gln (NM_001193536.2); short protein forms H1910Q, H1810Q, H1842Q.
Identifiers: ClinVar variation 2143068 (VCV002143068.4), dbSNP rs920043161, ClinGen allele CA187823847.

ClinVar aggregate classification (germline): Uncertain significance (1 of 4 stars; one submission).

Conditions:
Combined immunodeficiency due to DOCK8 deficiency (HIES2). Also called: HIES autosomal recessive; DOCK8 Deficiency; Hyper-IgE recurrent infection syndrome, autosomal recessive; HYPER-IgE RECURRENT INFECTION SYNDROME 2, AUTOSOMAL RECESSIVE; HYPER-IgE SYNDROME 2, AUTOSOMAL RECESSIVE, WITH RECURRENT INFECTIONS. Identifiers: Orphanet 217390, MedGen C4722305, MONDO:0009478, OMIM 243700.

Submission:

Labcorp Genetics (formerly Invitae), Labcorp
Classification: Uncertain significance for Combined immunodeficiency due to DOCK8 deficiency. Last evaluated: 2022-07-30. Review status: criteria provided, single submitter. Criteria: Invitae Variant Classification Sherloc (09022015). Collection method: clinical testing. Allele origin: germline.
Comment: This variant is not present in population databases (gnomAD no frequency). This sequence change replaces histidine, which is basic and polar, with glutamine, which is neutral and polar, at codon 1910 of the DOCK8 protein (p.His1910Gln). In summary, the available evidence is currently insufficient to determine the role of this variant in disease. Therefore, it has been classified as a Variant of Uncertain Significance. Algorithms developed to predict the effect of missense changes on protein structure and function output the following: SIFT: "Tolerated"; PolyPhen-2: "Benign"; Align-GVGD: "Class C0". The glutamine amino acid residue is found in multiple mammalian species, which suggests that this missense change does not adversely affect protein function. This variant has not been reported in the literature in individuals affected with DOCK8-related conditions.